The following continues an entry in ClinVar:

NM_001267550.2(TTN):c.29042-2A>C

Gene: TTN. ClinVar aggregate classification (germline): Conflicting classifications of pathogenicity. Uncertain significance (7); Likely benign (5).

Submissions 15 to 17 of 17:

Clinical Genetics, Academic Medical Center
Classification: Uncertain significance. Review status: no assertion criteria provided. Collection method: clinical testing. Allele origin: germline. Affected: yes. Study: VKGL Data-share Consensus. Not counted in ClinVar's aggregate classification.

Diagnostic Laboratory, Department of Genetics, University Medical Center Groningen
Classification: Uncertain significance. Review status: no assertion criteria provided. Collection method: clinical testing. Allele origin: germline. Affected: yes. Study: VKGL Data-share Consensus. Not counted in ClinVar's aggregate classification.

Cardiovascular Biomedical Research Unit, Royal Brompton & Harefield NHS Foundation Trust
Classification: Likely pathogenic for Primary dilated cardiomyopathy. Last evaluated: 2014-10-08. Review status: flagged submission. Criteria: Roberts et al. 2015. Collection method: research. Allele origin: germline. Inheritance: Autosomal dominant inheritance. Affected: yes. Observed: 1 variant allele. Study: Unselected DCM. Not counted in ClinVar's aggregate classification.
Comment: In the seven cohorts assessed, TTNtv were found in 14% of ambulant DCM, 22% end-stage or familial DCM, and 2% controls. Heterozygous nonsense, frameshift and canonical splice-disrupting variants found in constitutive and other highly utilised exons are highly likely to be pathogenic when identified in individuals with phenotypically confirmed DCM. TTNtv found incidentally in healthy individuals (excluding familial assessment of DCM relatives) are thought to have low penetrance, particularly when identified in exons that are not constitutively expressed in the heart.
ClinVar note: Reason: Claim with insufficient supporting evidence
ClinVar note: Reason: This record appears to be redundant with a more recent record from the same submitter.
ClinVar note: Notes: SCV000189635 appears to be redundant with SCV000189753.

Literature cited by the submitters: PubMed 23396983 (cited by 3 submitters); PubMed 24503780 (cited by Women's Health and Genetics/Laboratory Corporation of America, LabCorp); PubMed 28087566 (cited by Women's Health and Genetics/Laboratory Corporation of America, LabCorp); PubMed 25589632 (cited by 3 submitters); PubMed 30535219 (cited by Women's Health and Genetics/Laboratory Corporation of America, LabCorp and Mayo Clinic Laboratories, Mayo Clinic); PubMed 32746448 (cited by Women's Health and Genetics/Laboratory Corporation of America, LabCorp and Mayo Clinic Laboratories, Mayo Clinic); PubMed 26777568 (cited by 3 submitters); PubMed 33226272 (cited by Women's Health and Genetics/Laboratory Corporation of America, LabCorp and Mayo Clinic Laboratories, Mayo Clinic); PubMed 38438525 (cited by Women's Health and Genetics/Laboratory Corporation of America, LabCorp and Mayo Clinic Laboratories, Mayo Clinic); PubMed 30987448 (cited by Women's Health and Genetics/Laboratory Corporation of America, LabCorp); PubMed 39968638 (cited by Women's Health and Genetics/Laboratory Corporation of America, LabCorp).